The following is an entry in ClinVar:

NM_014845.6(FIG4):c.1294C>T (p.Arg432Ter)

Gene: FIG4 (FIG4 phosphoinositide 5-phosphatase; plus strand). Cytogenetic location: 6q21.
Variant type: single nucleotide variant.
Coding change: c.1294C>T on transcript NM_014845.6 (MANE Select); coding-DNA position 1294, C replaced by T.
Protein change: p.Arg432Ter; replaces arginine 432 with a stop codon.
Molecular consequence: nonsense.
Genome position (GRCh38, 1-based): chr6:109,762,113, C>T. VCF-style: chr6-109762113-C-T. GRCh37 (hg19) VCF-style: chr6-110083316-C-T.
Other names: short protein forms R432*.
Identifiers: ClinVar variation 3714815 (VCV003714815.3).

ClinVar aggregate classification (germline): Pathogenic. Review status: criteria provided, multiple submitters, no conflicts (2 of 4 stars). 2 submissions from 2 submitters: Pathogenic (2). Last evaluated 2024-12-18.

Conditions:
Charcot-Marie-Tooth disease type 4. Also called: Charcot-Marie-Tooth disease, type IV; Charcot-Marie-Tooth, Type 4. Identifiers: Orphanet 64749, MedGen C4082197, MONDO:0018995.
FIG4-related disorder. Also called: FIG4-related disorders; FIG4-related condition.

gnomAD v4.1: 9 of 1,611,390 alleles (0.00056%); highest among the groups gnomAD compares: African/African-American, 0.0013%; no homozygotes.

Submissions (2):

Greenwood Genetic Center Diagnostic Laboratories, Greenwood Genetic Center
Classification: Pathogenic for FIG4-related disorder. Last evaluated: 2024-12-18. Review status: criteria provided, single submitter. Criteria: ACMG Guidelines, 2015. Collection method: clinical testing. Allele origin: germline. Affected: yes.
Comment: PVS1, PS3_Moderate, PM2, PM3

Labcorp Genetics (formerly Invitae), Labcorp
Classification: Pathogenic for Charcot-Marie-Tooth disease type 4. Last evaluated: 2024-10-28. Review status: criteria provided, single submitter. Criteria: Invitae Variant Classification Sherloc (09022015). Collection method: clinical testing. Allele origin: germline.
Comment: This sequence change creates a premature translational stop signal (p.Arg432*) in the FIG4 gene. It is expected to result in an absent or disrupted protein product. Loss-of-function variants in FIG4 are known to be pathogenic (PMID: 23623387, 30740813). This variant is present in population databases (rs149991846, gnomAD 0.002%). This premature translational stop signal has been observed in individual(s) with 29518270 (Charcot-Marie-Tooth disease). For these reasons, this variant has been classified as Pathogenic.

Literature cited by the submitters: PubMed 23623387 (cited by Labcorp Genetics (formerly Invitae), Labcorp); PubMed 30740813 (cited by Labcorp Genetics (formerly Invitae), Labcorp).